The following is an entry in ClinVar:

NM_005045.4(RELN):c.10177C>T (p.Pro3393Ser)

Genes: SLC26A5-AS1 (SLC26A5 antisense RNA 1; plus strand), RELN (reelin; minus strand). Cytogenetic location: 7q22.1.
Variant type: single nucleotide variant.
Coding change: c.10177C>T on transcript NM_005045.4 (MANE Select); coding-DNA position 10177, C replaced by T.
Protein change: p.Pro3393Ser; replaces proline 3393 with serine.
Molecular consequence: missense variant.
Genome position (GRCh38, 1-based): chr7:103,483,657, G>A on the plus strand (C>T on the coding strand, the complement: RELN is on the minus strand). VCF-style: chr7-103483657-G-A. GRCh37 (hg19) VCF-style: chr7-103124104-G-A.
Other names: c.10177C>T, p.Pro3393Ser (NM_173054.3); short protein forms P3393S.
Identifiers: ClinVar variation 660465 (VCV000660465.8), dbSNP rs771869485, ClinGen allele CA4420038.
Genomic context (GRCh38, chr7:103,483,657, plus strand): 5'-AGGGATTCACAAAGGGATTGTGCATGAGACCATGCCTTTCCATTTGGGCCACTTACAGGG[G>A]GACATTGTAAGACACTCTCTGAGCTTGTGTGAAGTCCTTTGGCTGGTGCTGGGCGATGAC-3'
Protein context (NP_005036.2, residues 3383-3403): TQAQRVSYNV[Pro3393Ser]LEARMKGVLL

ClinVar aggregate classification (germline): Uncertain significance (1 of 4 stars; one submission).

Conditions:
Familial temporal lobe epilepsy 7. Identifiers: Orphanet 101046, MedGen C4225327, MONDO:0014639, OMIM 616436.
Norman-Roberts syndrome (LIS2). Also called: Lissencephaly 2 (Norman-Roberts type). Identifiers: Orphanet 89844, MedGen C0796089, MONDO:0009760, OMIM 257320.

Allele frequency attached by ClinVar (database versions not stated): ExAC 0.00001; gnomAD 0.00001.
gnomAD v4.1: 1 of 1,613,904 alleles (0.000062%); highest among the groups gnomAD compares: Non-Finnish European, 0.000085%; no homozygotes.

Submission:

Labcorp Genetics (formerly Invitae), Labcorp
Classification: Uncertain significance for Familial temporal lobe epilepsy 7; Norman-Roberts syndrome. Last evaluated: 2022-07-12. Review status: criteria provided, single submitter. Criteria: Invitae Variant Classification Sherloc (09022015). Collection method: clinical testing. Allele origin: germline.
Comment: This sequence change replaces proline, which is neutral and non-polar, with serine, which is neutral and polar, at codon 3393 of the RELN protein (p.Pro3393Ser). This variant is not present in population databases (gnomAD no frequency). This variant has not been reported in the literature in individuals affected with RELN-related conditions. ClinVar contains an entry for this variant (Variation ID: 660465). Algorithms developed to predict the effect of missense changes on protein structure and function are either unavailable or do not agree on the potential impact of this missense change (SIFT: "Deleterious"; PolyPhen-2: "Benign"; Align-GVGD: "Class C0"). Algorithms developed to predict the effect of sequence changes on RNA splicing suggest that this variant may create or strengthen a splice site. In summary, the available evidence is currently insufficient to determine the role of this variant in disease. Therefore, it has been classified as a Variant of Uncertain Significance.